The following is an entry in ClinVar:

NM_173353.4(TPH2):c.122C>A (p.Ser41Tyr)

Gene: TPH2 (tryptophan hydroxylase 2; plus strand). Cytogenetic location: 12q21.1.
Variant type: single nucleotide variant.
Coding change: c.122C>A on transcript NM_173353.4 (MANE Select); coding-DNA position 122, C replaced by A.
Protein change: p.Ser41Tyr; replaces serine 41 with tyrosine.
Molecular consequence: missense variant.
Genome position (GRCh38, 1-based): chr12:71,941,600, C>A. VCF-style: chr12-71941600-C-A. GRCh37 (hg19) VCF-style: chr12-72335380-C-A.
Other names: short protein forms S41Y.
Identifiers: ClinVar variation 310378 (VCV000310378.7), dbSNP rs78162420, ClinGen allele CA6689674.

ClinVar aggregate classification (germline): Likely benign. Review status: criteria provided, multiple submitters, no conflicts (2 of 4 stars). 3 submissions from 3 submitters: Likely benign (3). Last evaluated 2022-05-04.

Conditions:
Major depressive disorder (MDD). Also called: UNIPOLAR DEPRESSION. Identifiers: MedGen C1269683, MONDO:0002009, OMIM 608516.
Attention deficit-hyperactivity disorder, susceptibility to, 7 (ADHD7). Identifiers: MedGen C2751802, MONDO:0013076, OMIM 613003.
Tryptophan 5-monooxygenase deficiency. Identifiers: MedGen CN120491.

Allele frequency attached by ClinVar (database versions not stated): ESP Exome Variant Server 0.00008; gnomAD 0.00071 and 0.00107; TOPMed 0.00112; ExAC 0.00205; gnomAD exomes 0.00209; 1000 Genomes Project 30x 0.00375; 1000 Genomes Project 0.00479.
gnomAD v4.1: 1,775 of 1,613,904 alleles (0.11%); highest among the groups gnomAD compares: East Asian, 3.2%; 28 homozygotes.

Submissions (3):

Fulgent Genetics
Classification: Likely benign for Major depressive disorder; Attention deficit-hyperactivity disorder, susceptibility to, 7. Last evaluated: 2022-05-04. Review status: criteria provided, single submitter. Criteria: ACMG Guidelines, 2015. Collection method: clinical testing. Allele origin: unknown.

Illumina Laboratory Services, Illumina
Classification: Likely benign for Tryptophan 5-monooxygenase deficiency. Last evaluated: 2018-01-13. Review status: criteria provided, single submitter. Criteria: ICSL Variant Classification Criteria 13 December 2019. Collection method: clinical testing. Allele origin: germline.
Comment: This variant was observed in the ICSL laboratory as part of a predisposition screen in an ostensibly healthy population. It had not been previously curated by ICSL or reported in the Human Gene Mutation Database (HGMD: prior to June 1st, 2018), and was therefore a candidate for classification through an automated scoring system. Utilizing variant allele frequency, disease prevalence and penetrance estimates, and inheritance mode, an automated score was calculated to assess if this variant is too frequent to cause the disease. Based on the score and internal cut-off values, a variant classified as likely benign is not then subjected to further curation. The score for this variant resulted in a classification of likely benign for this disease.

Breakthrough Genomics
Classification: Likely benign. Review status: criteria provided, single submitter. Criteria: ACMG Guidelines, 2015. Collection method: not provided. Allele origin: germline. Inheritance: Unknown mechanism. Affected: yes.